The following is an entry in ClinVar:

ClinVar aggregate classification (germline): Uncertain significance. Review status: criteria provided, multiple submitters, no conflicts (2 of 4 stars). 2 submissions from 2 submitters: Uncertain significance (2). Last evaluated 2025-02-26.

Conditions:
Inborn genetic diseases. Identifiers: MedGen C0950123, MeSH D030342.
Norman-Roberts syndrome (LIS2). Also called: Lissencephaly 2 (Norman-Roberts type). Identifiers: Orphanet 89844, MedGen C0796089, MONDO:0009760, OMIM 257320.
Familial temporal lobe epilepsy 7. Identifiers: Orphanet 101046, MedGen C4225327, MONDO:0014639, OMIM 616436.

Allele frequency attached by ClinVar (database versions not stated): gnomAD exomes below 0.00001 and 0.00001; TOPMed below 0.00001; gnomAD 0.00001.
gnomAD v4.1: 10 of 1,613,986 alleles (0.00062%); highest among the groups gnomAD compares: African/African-American, 0.004%; no homozygotes.

Submissions (2):

Ambry Genetics
Classification: Uncertain significance for Inborn genetic diseases. Last evaluated: 2025-02-26. Review status: criteria provided, single submitter. Criteria: Ambry Variant Classification Scheme 2023. Collection method: clinical testing. Allele origin: germline.

Labcorp Genetics (formerly Invitae), Labcorp
Classification: Uncertain significance for Familial temporal lobe epilepsy 7; Norman-Roberts syndrome. Last evaluated: 2024-02-24. Review status: criteria provided, single submitter. Criteria: Invitae Variant Classification Sherloc (09022015). Collection method: clinical testing. Allele origin: germline.
Comment: This sequence change replaces glutamic acid, which is acidic and polar, with lysine, which is basic and polar, at codon 3280 of the RELN protein (p.Glu3280Lys). This variant is present in population databases (no rsID available, gnomAD 0.002%). This variant has not been reported in the literature in individuals affected with RELN-related conditions. ClinVar contains an entry for this variant (Variation ID: 968188). Advanced modeling of protein sequence and biophysical properties (such as structural, functional, and spatial information, amino acid conservation, physicochemical variation, residue mobility, and thermodynamic stability) performed at Invitae indicates that this missense variant is not expected to disrupt RELN protein function with a negative predictive value of 80%. In summary, the available evidence is currently insufficient to determine the role of this variant in disease. Therefore, it has been classified as a Variant of Uncertain Significance.

NM_005045.4(RELN):c.9838G>A (p.Glu3280Lys)

Genes: SLC26A5-AS1 (SLC26A5 antisense RNA 1; plus strand), RELN (reelin; minus strand). Cytogenetic location: 7q22.1.
Variant type: single nucleotide variant.
Coding change: c.9838G>A on transcript NM_005045.4 (MANE Select); coding-DNA position 9838, G replaced by A.
Protein change: p.Glu3280Lys; replaces glutamic acid 3280 with lysine.
Molecular consequence: missense variant.
Genome position (GRCh38, 1-based): chr7:103,486,342, C>T on the plus strand (G>A on the coding strand, the complement: RELN is on the minus strand). VCF-style: chr7-103486342-C-T. GRCh37 (hg19) VCF-style: chr7-103126789-C-T.
Other names: c.9838G>A, p.Glu3280Lys (NM_173054.3); short protein forms E3280K.
Identifiers: ClinVar variation 968188 (VCV000968188.8), dbSNP rs1354755133, ClinGen allele CA368741879.